The following is an entry in ClinVar:

NM_012418.4(FSCN2):c.65G>A (p.Arg22His)

Gene: FSCN2 (fascin actin-bundling protein 2, retinal; plus strand). Cytogenetic location: 17q25.3.
Variant type: single nucleotide variant.
Coding change: c.65G>A on transcript NM_012418.4 (MANE Select); coding-DNA position 65, G replaced by A.
Protein change: p.Arg22His; replaces arginine 22 with histidine.
Molecular consequence: missense variant.
Genome position (GRCh38, 1-based): chr17:81,528,596, G>A. VCF-style: chr17-81528596-G-A. GRCh37 (hg19) VCF-style: chr17-79495622-G-A.
Other names: c.65G>A, p.Arg22His (NM_001077182.3); c.65G>A (NM_001077182.2); short protein forms R22H.
Identifiers: ClinVar variation 1351982 (VCV001351982.10), dbSNP rs200258773, ClinGen allele CA8836572.

ClinVar aggregate classification (germline): Uncertain significance. Review status: criteria provided, multiple submitters, no conflicts (2 of 4 stars). 3 submissions from 3 submitters: Uncertain significance (2). 1 of the submissions does not count toward it. Last evaluated 2025-01-01.

Conditions:
Meniere disease. Also called: Ménière's disease. Identifiers: MedGen C0025281, MONDO:0007972, OMIM 156000.

Allele frequency attached by ClinVar (database versions not stated): gnomAD exomes 0.00002 and 0.00004; gnomAD 0.00004; TOPMed 0.00005; ExAC 0.00008; ESP Exome Variant Server 0.00008.

Submissions (3):

Ambry Genetics
Classification: Uncertain significance. Last evaluated: 2025-01-01. Review status: criteria provided, single submitter. Criteria: Ambry Variant Classification Scheme 2023. Collection method: clinical testing. Allele origin: germline.

Labcorp Genetics (formerly Invitae), Labcorp
Classification: Uncertain significance. Last evaluated: 2024-08-17. Review status: criteria provided, single submitter. Criteria: Invitae Variant Classification Sherloc (09022015). Collection method: clinical testing. Allele origin: germline.
Comment: This sequence change replaces arginine, which is basic and polar, with histidine, which is basic and polar, at codon 22 of the FSCN2 protein (p.Arg22His). The frequency data for this variant in the population databases is considered unreliable, as metrics indicate poor data quality at this position in the gnomAD database. This variant has not been reported in the literature in individuals affected with FSCN2-related conditions. ClinVar contains an entry for this variant (Variation ID: 1351982). An algorithm developed to predict the effect of missense changes on protein structure and function (PolyPhen-2) suggests that this variant is likely to be disruptive. In summary, the available evidence is currently insufficient to determine the role of this variant in disease. Therefore, it has been classified as a Variant of Uncertain Significance.

Center for Computational Biology & Bioinformatics, University of California, San Diego
Classification: Uncertain significance for Meniere disease. Last evaluated: 2024-06-03. Review status: no assertion criteria provided. Collection method: research. Allele origin: germline. Affected: yes. Not counted in ClinVar's aggregate classification.